The following is an entry in ClinVar:

NM_005529.7(HSPG2):c.8458G>A (p.Val2820Ile)

Gene: HSPG2 (heparan sulfate proteoglycan 2; minus strand). Cytogenetic location: 1p36.12.
Variant type: single nucleotide variant.
Coding change: c.8458G>A on transcript NM_005529.7 (MANE Select); coding-DNA position 8458, G replaced by A.
Protein change: p.Val2820Ile; replaces valine 2820 with isoleucine.
Molecular consequence: missense variant.
Genome position (GRCh38, 1-based): chr1:21,846,114, C>T on the plus strand (G>A on the coding strand, the complement: HSPG2 is on the minus strand). VCF-style: chr1-21846114-C-T. GRCh37 (hg19) VCF-style: chr1-22172607-C-T.
Other names: c.8461G>A, p.Val2821Ile (NM_001291860.2); short protein forms V2821I, V2820I.
Identifiers: ClinVar variation 876955 (VCV000876955.11), dbSNP rs771648867, ClinGen allele CA670786.

ClinVar aggregate classification (germline): Uncertain significance. Review status: criteria provided, multiple submitters, no conflicts (2 of 4 stars). 5 submissions from 4 submitters: Uncertain significance (5). Last evaluated 2025-08-20.

Conditions:
Inborn genetic diseases. Identifiers: MedGen C0950123, MeSH D030342.
Schwartz-Jampel syndrome. Also called: Myotonic myopathy dwarfism chondrodystrophy and ocular and facial abnormalities. Identifiers: Orphanet 800, MedGen C0036391, MONDO:0009717.
Lethal Kniest-like syndrome (DDSH). Also called: Dyssegmental Dysplasia. Identifiers: Orphanet 1865, MedGen C1857100, MONDO:0009140, OMIM 224410.

Allele frequency attached by ClinVar (database versions not stated): ExAC 0.00003; TOPMed 0.00006.
gnomAD v4.1: 34 of 1,612,530 alleles (0.0021%); highest among the groups gnomAD compares: South Asian, 0.013%; no homozygotes.

Submissions (5):

Labcorp Genetics (formerly Invitae), Labcorp
Classification: Uncertain significance. Last evaluated: 2025-08-20. Review status: criteria provided, single submitter. Criteria: Invitae Variant Classification Sherloc (09022015). Collection method: clinical testing. Allele origin: germline.
Comment: This sequence change replaces valine, which is neutral and non-polar, with isoleucine, which is neutral and non-polar, at codon 2820 of the HSPG2 protein (p.Val2820Ile). The frequency data for this variant in the population databases is considered unreliable, as metrics indicate poor data quality at this position in the gnomAD database. This variant has not been reported in the literature in individuals affected with HSPG2-related conditions. ClinVar contains an entry for this variant (Variation ID: 876955). An algorithm developed to predict the effect of missense changes on protein structure and function outputs the following: PolyPhen-2: "Benign". The isoleucine amino acid residue is found in multiple mammalian species, which suggests that this missense change does not adversely affect protein function. In summary, the available evidence is currently insufficient to determine the role of this variant in disease. Therefore, it has been classified as a Variant of Uncertain Significance.

GeneDx
Classification: Uncertain significance. Last evaluated: 2025-04-03. Review status: criteria provided, single submitter. Criteria: GeneDx Variant Classification Process June 2021. Collection method: clinical testing. Allele origin: germline. Affected: yes.
Comment: In silico analysis indicates that this missense variant does not alter protein structure/function; Has not been previously published as pathogenic or benign to our knowledge

Ambry Genetics
Classification: Uncertain significance for Inborn genetic diseases. Last evaluated: 2024-05-14. Review status: criteria provided, single submitter. Criteria: Ambry Variant Classification Scheme 2023. Collection method: clinical testing. Allele origin: germline.

Illumina Laboratory Services, Illumina
Classification: Uncertain significance for Lethal Kniest-like syndrome. Last evaluated: 2018-01-13. Review status: criteria provided, single submitter. Criteria: ICSL Variant Classification Criteria 13 December 2019. Collection method: clinical testing. Allele origin: germline.

Illumina Laboratory Services, Illumina
Classification: Uncertain significance for Schwartz-Jampel syndrome type 1. Last evaluated: 2018-01-13. Review status: criteria provided, single submitter. Criteria: ICSL Variant Classification Criteria 13 December 2019. Collection method: clinical testing. Allele origin: germline.